The following is an entry in ClinVar:

NM_007294.4(BRCA1):c.5109T>C (p.Tyr1703=)

Gene: BRCA1 (BRCA1 DNA repair associated; minus strand). Cytogenetic location: 17q21.31.
Variant type: single nucleotide variant.
Coding change: c.5109T>C on transcript NM_007294.4 (MANE Select); coding-DNA position 5109, T replaced by C.
Protein change: p.Tyr1703=; no amino-acid change (tyrosine 1703 retained).
Molecular consequence: synonymous variant. On other transcripts: intron variant (2).
Genome position (GRCh38, 1-based): chr17:43,063,917, A>G on the plus strand (T>C on the coding strand, the complement: BRCA1 is on the minus strand). VCF-style: chr17-43063917-A-G. GRCh37 (hg19) VCF-style: chr17-41215934-A-G.
Other names: c.4896T>C, p.Tyr1632= (NM_001407571.1, NM_001407894.1, NM_001407895.1 and 12 more transcripts); c.5175T>C, p.Tyr1725= (NM_001407581.1, NM_001407582.1); c.5172T>C, p.Tyr1724= (NM_001407583.1, NM_001407585.1, NM_001407587.1 and 1 more transcripts); c.5169T>C, p.Tyr1723= (NM_001407590.1, NM_001407591.1); c.5109T>C, p.Tyr1703= (NM_001407593.1, NM_001407594.1, NM_001407596.1 and 7 more transcripts); c.5106T>C, p.Tyr1702= (NM_001407610.1, NM_001407611.1, NM_001407612.1 and 17 more transcripts); c.5103T>C, p.Tyr1701= (NM_001407627.1, NM_001407628.1, NM_001407629.1 and 14 more transcripts); c.5100T>C, p.Tyr1700= (NM_001407644.1, NM_001407645.1); and 73 more.
Identifiers: ClinVar variation 240815 (VCV000240815.16), dbSNP rs80356974, ClinGen allele CA10583551.

ClinVar aggregate classification (germline): Likely benign. Review status: reviewed by expert panel (3 of 4 stars). 3 submissions from 3 submitters: Likely benign (1). 2 of the submissions do not count toward it. Last evaluated 2017-06-29.

Conditions:
Hereditary breast ovarian cancer syndrome. Also called: Hereditary breast and ovarian cancer syndrome (HBOC); Breast and ovarian cancer; Hereditary breast and ovarian cancer syndrome; Hereditary breast and ovarian cancer; BRCA1- and BRCA2-Associated Hereditary Breast and Ovarian Cancer; Hereditary breast and/or ovarian cancer syndrome. Identifiers: Orphanet 145, MedGen C0677776, MeSH D061325, MONDO:0003582. Disease mechanism: loss of function.
Breast-ovarian cancer, familial, susceptibility to, 1 (BROVCA1). Also called: BRCA1 Hereditary Breast and Ovarian Cancer; OVARIAN CANCER, SUSCEPTIBILITY TO. Identifiers: Orphanet 145, MedGen C2676676, MONDO:0011450, OMIM 604370. Disease mechanism: loss of function.
Hereditary cancer-predisposing syndrome. Also called: Hereditary Cancer Syndrome; Neoplastic Syndromes, Hereditary; Hereditary neoplastic syndrome; Tumor predisposition. Identifiers: Orphanet 140162, MedGen C0027672, MeSH D009386, MONDO:0015356.

Allele frequency attached by ClinVar (database versions not stated): gnomAD exomes below 0.00001.
gnomAD v4.1: 1 of 1,614,160 alleles (0.000062%); highest among the groups gnomAD compares: Non-Finnish European, 0.000085%; no homozygotes.

Submissions (4):

Evidence-based Network for the Interpretation of Germline Mutant Alleles (ENIGMA)
Classification: Likely benign for Breast-ovarian cancer, familial, susceptibility to, 1. Last evaluated: 2017-06-29. Review status: reviewed by expert panel. Criteria: ENIGMA BRCA1/2 Classification Criteria (2017-06-29). Collection method: curation. Allele origin: germline.
Comment: Synonymous substitution variant, with low bioinformatic likelihood to result in a splicing aberration (Splicing prior probability 0.02).

Ambry Genetics
Classification: Likely benign for Hereditary cancer-predisposing syndrome. Last evaluated: 2023-03-15. Review status: criteria provided, single submitter. Criteria: Ambry Variant Classification Scheme 2023. Collection method: clinical testing. Allele origin: germline. Not counted in ClinVar's aggregate classification.

Labcorp Genetics (formerly Invitae), Labcorp
Classification: Likely benign for Hereditary breast ovarian cancer syndrome. Last evaluated: 2019-04-26. Review status: criteria provided, single submitter. Criteria: Invitae Variant Classification Sherloc (09022015). Collection method: clinical testing. Allele origin: germline. Not counted in ClinVar's aggregate classification.

Brotman Baty Institute, University of Washington
No classification provided (evidence only). Condition: Breast-ovarian cancer, familial 1. Review status: no classification provided. Collection method: in vitro. Allele origin: not applicable. Functional consequence: functionally_normal. Not counted in ClinVar's aggregate classification.
ClinVar note: "not provided" was previously submitted as the classification for the variant. However, the classification appeared to be based only on an observation of functional data so it was converted to no classification on 2025-07-30.